The following is an entry in ClinVar:

ClinVar aggregate classification (germline): Uncertain significance. Review status: criteria provided, multiple submitters, no conflicts (2 of 4 stars). 2 submissions from 2 submitters: Uncertain significance (2). Last evaluated 2025-03-06.

Conditions:
AGO2-related disorder. Also called: AGO2-related condition.

Submissions (2):

Women's Health and Genetics/Laboratory Corporation of America, LabCorp
Classification: Uncertain significance. Last evaluated: 2025-03-06. Review status: criteria provided, single submitter. Criteria: LabCorp Variant Classification Summary - May 2015. Collection method: clinical testing. Allele origin: germline.
Comment: Variant summary: AGO2 c.2212A>T (p.Thr738Ser) results in a conservative amino acid change in the encoded protein sequence. Four of five in-silico tools predict a benign effect of the variant on protein function. The variant was absent in 251466 control chromosomes. The available data on variant occurrences in the general population are insufficient to allow any conclusion about variant significance. To our knowledge, no occurrence of c.2212A>T in individuals affected with Lessel-Kreienkamp Syndrome and no experimental evidence demonstrating its impact on protein function have been reported. ClinVar contains an entry for this variant (Variation ID: 2634438). Based on the evidence outlined above, the variant was classified as uncertain significance.

PreventionGenetics, part of Exact Sciences
Classification: Uncertain significance for AGO2-related condition. Last evaluated: 2023-05-18. Review status: criteria provided, single submitter. Criteria: ACMG Guidelines, 2015. Collection method: clinical testing. Allele origin: germline.
Comment: The AGO2 c.2212A>T variant is predicted to result in the amino acid substitution p.Thr738Ser. To our knowledge, this variant has not been reported in the literature or in a large population database, indicating this variant is rare. At this time, the clinical significance of this variant is uncertain due to the absence of conclusive functional and genetic evidence.

NM_012154.5(AGO2):c.2212A>T (p.Thr738Ser)

Gene: AGO2 (argonaute RISC catalytic component 2; minus strand). Cytogenetic location: 8q24.3.
Variant type: single nucleotide variant.
Coding change: c.2212A>T on transcript NM_012154.5 (MANE Select); coding-DNA position 2212, A replaced by T.
Protein change: p.Thr738Ser; replaces threonine 738 with serine.
Molecular consequence: missense variant. On other transcripts: intron variant (1).
Genome position (GRCh38, 1-based): chr8:140,535,527, T>A on the plus strand (A>T on the coding strand, the complement: AGO2 is on the minus strand). VCF-style: chr8-140535527-T-A. GRCh37 (hg19) VCF-style: chr8-141545626-T-A.
Other names: c.2170-2912A>T (NM_001164623.3); short protein forms T738S.
Identifiers: ClinVar variation 2634438 (VCV002634438.2), dbSNP rs2540679800, ClinGen allele CA372332247.